The following is an entry in ClinVar:

ClinVar aggregate classification (germline): Benign/Likely benign. Review status: criteria provided, multiple submitters, no conflicts (2 of 4 stars). 3 submissions from 3 submitters: Benign (1); Likely benign (2). Last evaluated 2024-10-28.

Conditions:
Familial cancer of breast. Also called: hereditary breast carcinoma; Hereditary breast cancer; BREAST CANCER, FAMILIAL. Identifiers: Orphanet 227535, MedGen C0346153, MONDO:0016419, OMIM 114480. Disease mechanism: loss of function.
Hereditary cancer-predisposing syndrome. Also called: Hereditary Cancer Syndrome; Hereditary neoplastic syndrome; Neoplastic Syndromes, Hereditary; Tumor predisposition. Identifiers: Orphanet 140162, MedGen C0027672, MeSH D009386, MONDO:0015356.

Submissions (3):

Ambry Genetics
Classification: Likely benign for Hereditary cancer-predisposing syndrome. Last evaluated: 2024-10-28. Review status: criteria provided, single submitter. Criteria: Ambry Variant Classification Scheme 2023. Collection method: clinical testing. Allele origin: germline.

Myriad Genetics, Inc.
Classification: Benign for Familial cancer of breast. Last evaluated: 2024-05-22. Review status: criteria provided, single submitter. Criteria: Myriad Autosomal Dominant, Autosomal Recessive and X-Linked Classification Criteria (2023). Collection method: clinical testing. Allele origin: unknown.
Comment: This variant is considered benign. This variant is a silent/synonymous amino acid change and it is not expected to impact splicing.

GeneDx
Classification: Likely benign. Last evaluated: 2018-12-10. Review status: criteria provided, single submitter. Criteria: GeneDx Variant Classification Process June 2021. Collection method: clinical testing. Allele origin: germline. Affected: yes.

NM_000051.4(ATM):c.5127G>A (p.Gln1709=)

Gene: ATM (ATM serine/threonine kinase; plus strand). Cytogenetic location: 11q22.3.
Variant type: single nucleotide variant.
Coding change: c.5127G>A on transcript NM_000051.4 (MANE Select); coding-DNA position 5127, G replaced by A.
Protein change: p.Gln1709=; no amino-acid change (glutamine 1709 retained).
Molecular consequence: synonymous variant.
Genome position (GRCh38, 1-based): chr11:108,299,835, G>A. VCF-style: chr11-108299835-G-A. GRCh37 (hg19) VCF-style: chr11-108170562-G-A.
Other names: c.5127G>A, p.Gln1709= (NM_001351834.2).
Identifiers: ClinVar variation 384059 (VCV000384059.6), dbSNP rs1057521839, ClinGen allele CA16605811.